The following is an entry in ClinVar:

NM_003931.3(WASF1):c.998C>A (p.Ser333Tyr)

Gene: WASF1 (WASP family member 1; minus strand). Cytogenetic location: 6q21.
Variant type: single nucleotide variant.
Coding change: c.998C>A on transcript NM_003931.3 (MANE Select); coding-DNA position 998, C replaced by A.
Protein change: p.Ser333Tyr; replaces serine 333 with tyrosine.
Molecular consequence: missense variant.
Genome position (GRCh38, 1-based): chr6:110,102,112, G>T on the plus strand (C>A on the coding strand, the complement: WASF1 is on the minus strand). VCF-style: chr6-110102112-G-T. GRCh37 (hg19) VCF-style: chr6-110423315-G-T.
Other names: c.998C>A, p.Ser333Tyr (NM_001024934.2, NM_001024935.2, NM_001024936.2); short protein forms S333Y.
Identifiers: ClinVar variation 3373231 (VCV003373231.1).
Genomic context (GRCh38, chr6:110,102,112, plus strand): 5'-GGTACTGGAGGGGGAGGAGTTGAAGTCATTGAAGCTCTTAATGAGGAAGTTGACAAGGCA[G>T]ATGGAAGAGGTGGTGGAGGAGGTGGGGGAGTGGGGCTCACAAACACAGGTGTTCTGCCTG-3'
Protein context (NP_003922.1, residues 323-343): TPPPPPPPLP[Ser333Tyr]ALSTSSLRAS

ClinVar aggregate classification (germline): Uncertain significance (1 of 4 stars; one submission).

gnomAD v4.1: 1 of 1,495,042 alleles (0.000067%); highest among the groups gnomAD compares: South Asian, 0.0014%; no homozygotes.

Submission:

GeneDx
Classification: Uncertain significance. Last evaluated: 2024-04-30. Review status: criteria provided, single submitter. Criteria: GeneDx Variant Classification Process June 2021. Collection method: clinical testing. Allele origin: germline. Affected: yes.
Comment: Not observed at significant frequency in large population cohorts (gnomAD); In silico analysis indicates that this missense variant does not alter protein structure/function; Has not been previously published as pathogenic or benign to our knowledge